The following is an entry in ClinVar:

ClinVar aggregate classification (germline): Likely benign (1 of 4 stars; one submission).

gnomAD v4.1: 3 of 1,606,722 alleles (0.00019%); highest among the groups gnomAD compares: Non-Finnish European, 0.00017%; no homozygotes.

Submission:

CeGaT Center for Human Genetics Tuebingen
Classification: Likely benign. Last evaluated: 2023-11-01. Review status: criteria provided, single submitter. Criteria: CeGaT Center For Human Genetics Tuebingen Variant Classification Criteria Version 2. Collection method: clinical testing. Allele origin: germline. Affected: yes. Observed: 1 variant allele.
Comment: FRY: PM2:Supporting, BP4, BP7

NM_023037.3(FRY):c.3022T>C (p.Leu1008=)

Gene: FRY (FRY microtubule binding protein; plus strand). Cytogenetic location: 13q13.1.
Variant type: single nucleotide variant.
Coding change: c.3022T>C on transcript NM_023037.3 (MANE Select); coding-DNA position 3022, T replaced by C.
Protein change: p.Leu1008=; no amino-acid change (leucine 1008 retained).
Molecular consequence: synonymous variant.
Genome position (GRCh38, 1-based): chr13:32,183,002, T>C. VCF-style: chr13-32183002-T-C. GRCh37 (hg19) VCF-style: chr13-32757139-T-C.
Other names: c.3022T>C, p.Leu1008= (NM_001411012.1).
Identifiers: ClinVar variation 2672537 (VCV002672537.23), dbSNP rs1332945507, ClinGen allele CA483272448.
Genomic context (GRCh38, chr13:32,183,002, plus strand): 5'-CAATGAATTTCAAATTTGACCTTTTTCCTCCACAGAGAATTGGTAGAAGAACTTCATCCA[T>C]TAATGAAAGAAGCTCTGGAAAGAAGACCAGAGGTAAGAATTTGAATTTAAAAAATTAAGG-3'
Protein context (NP_075463.2, residues 998-1018): FRELVEELHP[Leu1008=]MKEALERRPE